The following is an entry in ClinVar:

ClinVar aggregate classification (germline): Uncertain significance (1 of 4 stars; one submission).

Submission:

GeneDx
Classification: Uncertain significance. Last evaluated: 2024-12-10. Review status: criteria provided, single submitter. Criteria: GeneDx Variant Classification Process June 2021. Collection method: clinical testing. Allele origin: germline. Affected: yes.
Comment: Not observed at significant frequency in large population cohorts (gnomAD); In silico analysis indicates that this missense variant does not alter protein structure/function; Has not been previously published as pathogenic or benign to our knowledge; Occurs in the triple helical domain at the Y position in the canonical Gly-X-Y repeat; although this variant may have an effect on normal protein folding and function, missense substitution at the Y position is not a common mechanism of disease

NM_000091.5(COL4A3):c.1004T>C (p.Ile335Thr)

Genes: COL4A3 (collagen type IV alpha 3 chain; plus strand), MFF-DT (MFF divergent transcript; minus strand). Cytogenetic location: 2q36.3.
Variant type: single nucleotide variant.
Coding change: c.1004T>C on transcript NM_000091.5 (MANE Select); coding-DNA position 1004, T replaced by C.
Protein change: p.Ile335Thr; replaces isoleucine 335 with threonine.
Molecular consequence: missense variant.
Genome position (GRCh38, 1-based): chr2:227,257,619, T>C. VCF-style: chr2-227257619-T-C. GRCh37 (hg19) VCF-style: chr2-228122335-T-C.
Other names: short protein forms I335T.
Identifiers: ClinVar variation 3902984 (VCV003902984.1).